The following is an entry in ClinVar:

ClinVar aggregate classification (germline): Uncertain significance (1 of 4 stars; one submission).

Conditions:
Hereditary hemorrhagic telangiectasia (HHT). Also called: Osler hemorrhagic telangiectasia syndrome; ORW DISEASE; Osler Weber Rendu syndrome; OSLER-RENDU-WEBER DISEASE. Identifiers: Orphanet 774, MedGen C0039445, MONDO:0019180. Disease mechanism: loss of function.

Submission:

Labcorp Genetics (formerly Invitae), Labcorp
Classification: Uncertain significance for Hereditary hemorrhagic telangiectasia. Last evaluated: 2017-11-16. Review status: criteria provided, single submitter. Criteria: Invitae Variant Classification Sherloc (09022015). Collection method: clinical testing. Allele origin: germline.
Comment: This sequence change replaces proline with serine at codon 481 of the ENG protein (p.Pro481Ser). The proline residue is moderately conserved and there is a moderate physicochemical difference between proline and serine. This variant is not present in population databases (ExAC no frequency). This variant has not been reported in the literature in individuals with ENG-related disease. Algorithms developed to predict the effect of missense changes on protein structure and function do not agree on the potential impact of this missense change (SIFT: "Tolerated"; PolyPhen-2: "Probably Damaging"; Align-GVGD: "Class C0"). In summary, the available evidence is currently insufficient to determine the role of this variant in disease. Therefore, it has been classified as a Variant of Uncertain Significance.

NM_001114753.3(ENG):c.1441C>T (p.Pro481Ser)

Genes: ENG (endoglin; minus strand), LOC102723566 (uncharacterized LOC102723566; plus strand). Cytogenetic location: 9q34.11.
Variant type: single nucleotide variant.
Coding change: c.1441C>T on transcript NM_001114753.3 (MANE Select); coding-DNA position 1441, C replaced by T.
Protein change: p.Pro481Ser; replaces proline 481 with serine.
Molecular consequence: missense variant. On other transcripts: non-coding transcript variant (1).
Genome position (GRCh38, 1-based): chr9:127,818,365, G>A on the plus strand (C>T on the coding strand, the complement: ENG is on the minus strand). VCF-style: chr9-127818365-G-A. GRCh37 (hg19) VCF-style: chr9-130580644-G-A.
Other names: c.1441C>T, p.Pro481Ser (NM_000118.4); c.895C>T, p.Pro299Ser (NM_001278138.2); short protein forms P481S, P299S.
Identifiers: ClinVar variation 528056 (VCV000528056.10), dbSNP rs1554809289, ClinGen allele CA374976118.